The following is an entry in ClinVar:

NM_000302.4(PLOD1):c.803C>A (p.Thr268Asn)

Gene: PLOD1 (procollagen-lysine,2-oxoglutarate 5-dioxygenase 1; plus strand). Cytogenetic location: 1p36.22.
Variant type: single nucleotide variant.
Coding change: c.803C>A on transcript NM_000302.4 (MANE Select); coding-DNA position 803, C replaced by A.
Protein change: p.Thr268Asn; replaces threonine 268 with asparagine.
Molecular consequence: missense variant.
Genome position (GRCh38, 1-based): chr1:11,957,903, C>A. VCF-style: chr1-11957903-C-A. GRCh37 (hg19) VCF-style: chr1-12017960-C-A.
Other names: c.944C>A, p.Thr315Asn (NM_001316320.2); short protein forms T268N, T315N.
Identifiers: ClinVar variation 1055073 (VCV001055073.9), dbSNP rs2100751465, ClinGen allele CA338432792.

ClinVar aggregate classification (germline): Uncertain significance (1 of 4 stars; one submission).

Conditions:
Ehlers-Danlos syndrome, kyphoscoliotic type 1 (EDSKSCL1). Also called: EHLERS-DANLOS SYNDROME, TYPE VIA; EHLERS-DANLOS SYNDROME, OCULAR-SCOLIOTIC TYPE; Ehlers-Danlos syndrome, hydroxylysine-deficient; PLOD1-Related Kyphoscoliotic Ehlers-Danlos Syndrome. Identifiers: Orphanet 1900, MedGen C0268342, MONDO:0016002, OMIM 225400. Disease mechanism: loss of function.

gnomAD v4.1: 1 of 1,614,064 alleles (0.000062%); highest among the groups gnomAD compares: Non-Finnish European, 0.000085%; no homozygotes.

Submission:

Labcorp Genetics (formerly Invitae), Labcorp
Classification: Uncertain significance for Ehlers-Danlos syndrome, kyphoscoliotic type 1. Last evaluated: 2020-07-13. Review status: criteria provided, single submitter. Criteria: Invitae Variant Classification Sherloc (09022015). Collection method: clinical testing. Allele origin: germline.
Comment: Algorithms developed to predict the effect of missense changes on protein structure and function (SIFT, PolyPhen-2, Align-GVGD) all suggest that this variant is likely to be tolerated, but these predictions have not been confirmed by published functional studies and their clinical significance is uncertain. This sequence change replaces threonine with asparagine at codon 268 of the PLOD1 protein (p.Thr268Asn). The threonine residue is weakly conserved and there is a small physicochemical difference between threonine and asparagine. This variant is not present in population databases (ExAC no frequency). This variant has not been reported in the literature in individuals with PLOD1-related conditions. In summary, the available evidence is currently insufficient to determine the role of this variant in disease. Therefore, it has been classified as a Variant of Uncertain Significance.